The following is an entry in ClinVar:

NM_000179.3(MSH6):c.3766T>G (p.Tyr1256Asp)

Gene: MSH6 (mutS homolog 6; plus strand). Cytogenetic location: 2p16.3.
Variant type: single nucleotide variant.
Coding change: c.3766T>G on transcript NM_000179.3 (MANE Select); coding-DNA position 3766, T replaced by G.
Protein change: p.Tyr1256Asp; replaces tyrosine 1256 with aspartic acid.
Molecular consequence: missense variant.
Genome position (GRCh38, 1-based): chr2:47,806,323, T>G. VCF-style: chr2-47806323-T-G. GRCh37 (hg19) VCF-style: chr2-48033462-T-G.
Other names: c.3376T>G, p.Tyr1126Asp (NM_001281492.2); c.2860T>G, p.Tyr954Asp (NM_001281493.2, NM_001281494.2); short protein forms Y1256D, Y954D, Y1126D.
Identifiers: ClinVar variation 483831 (VCV000483831.5), dbSNP rs1553333129, ClinGen allele CA346761117.

ClinVar aggregate classification (germline): Uncertain significance (1 of 4 stars; one submission).

Conditions:
Hereditary cancer-predisposing syndrome. Also called: Neoplastic Syndromes, Hereditary; Tumor predisposition; Hereditary Cancer Syndrome; Hereditary neoplastic syndrome. Identifiers: Orphanet 140162, MedGen C0027672, MeSH D009386, MONDO:0015356.

Submission:

Ambry Genetics
Classification: Uncertain significance for Hereditary cancer-predisposing syndrome. Last evaluated: 2017-02-01. Review status: criteria provided, single submitter. Criteria: Ambry Variant Classification Scheme 2023. Collection method: clinical testing. Allele origin: germline.
Comment: The p.Y1256D variant (also known as c.3766T>G), located in coding exon 8 of the MSH6 gene, results from a T to G substitution at nucleotide position 3766. The tyrosine at codon 1256 is replaced by aspartic acid, an amino acid with highly dissimilar properties. This amino acid position is well conserved in available vertebrate species. In addition, this alteration is predicted to be deleterious by in silico analysis. In addition, the CoDP in silico tool predicts this alteration is likely to impair molecular function, with a score of 0.982 (Terui H et al. J. Biomed. Sci. 2013 Apr;20:25). Since supporting evidence is limited at this time, the clinical significance of this alteration remains unclear.